The following is an entry in ClinVar:

ClinVar aggregate classification (germline): Benign. Review status: criteria provided, multiple submitters, no conflicts (2 of 4 stars). 2 submissions from 2 submitters: Benign (2). Last evaluated 2018-06-16.

Allele frequency attached by ClinVar (database versions not stated): gnomAD 0.28357 and 0.28644; TOPMed 0.28773; 1000 Genomes Project 0.31490; 1000 Genomes Project 30x 0.31793.
gnomAD v4.1: 43,629 of 152,040 alleles (29%); highest among the groups gnomAD compares: East Asian, 42%; 6,427 homozygotes.

Submissions (2):

GeneDx
Classification: Benign. Last evaluated: 2018-06-16. Review status: criteria provided, single submitter. Criteria: GeneDx Variant Classification (06012015). Collection method: clinical testing. Allele origin: germline. Affected: yes.
Comment: This variant is considered likely benign or benign based on one or more of the following criteria: it is a conservative change, it occurs at a poorly conserved position in the protein, it is predicted to be benign by multiple in silico algorithms, and/or has population frequency not consistent with disease.

Breakthrough Genomics
Classification: Benign. Review status: criteria provided, single submitter. Criteria: ACMG Guidelines, 2015. Collection method: not provided. Allele origin: germline. Inheritance: Autosomal dominant inheritance. Affected: yes.

NM_001035.3(RYR2):c.6792+158G>A

Gene: RYR2 (ryanodine receptor 2; plus strand). Cytogenetic location: 1q43.
Variant type: single nucleotide variant.
Coding change: c.6792+158G>A on transcript NM_001035.3 (MANE Select); 158 bases into the intron after coding-DNA position 6792, G replaced by A.
Molecular consequence: intron variant.
Genome position (GRCh38, 1-based): chr1:237,635,150, G>A. VCF-style: chr1-237635150-G-A. GRCh37 (hg19) VCF-style: chr1-237798450-G-A.
Identifiers: ClinVar variation 671776 (VCV000671776.2), dbSNP rs3736543, ClinGen allele CA10866635.